The following is an entry in ClinVar:

ClinVar aggregate classification (germline): Likely pathogenic (1 of 4 stars; one submission).

Conditions:
Mitochondrial complex I deficiency. Also called: NADH:Q(1) OXIDOREDUCTASE DEFICIENCY. Identifiers: Orphanet 2609, MedGen C1838979, MeSH C537475, MONDO:0100133.

Submission:

Natera, Inc.
Classification: Likely pathogenic for Mitochondrial complex I deficiency. Last evaluated: 2025-07-22. Review status: criteria provided, single submitter. Criteria: Natera Variant Classification Schema (03/2026). Collection method: clinical testing. Allele origin: germline.
Comment: The c.858_862+3del variant in NDUFAF5 is a frameshift variant predicted to shift the reading frame and introduce a stop codon. This variant is expected to result in nonsense mediated decay, truncation, or a dysfunctional protein product. This variant is rare in the general population with a frequency below the threshold expected for the associated phenotype(s). Given the available evidence, this variant is classified as Likely Pathogenic.

NM_024120.5(NDUFAF5):c.858_862+3del

Gene: NDUFAF5 (NADH:ubiquinone oxidoreductase complex assembly factor 5; plus strand). Cytogenetic location: 20p12.1.
Variant type: Deletion.
Coding change: c.858_862+3del on transcript NM_024120.5 (MANE Select); coding-DNA position 858 through 3 bases into the intron after coding-DNA position 862, 8 bases deleted (CAGAGGTA; older notation c.858_862+3delCAGAGGTA).
Molecular consequence: splice donor variant.
Genome position (GRCh38, 1-based): chr20:13,816,542-13,816,549, CAGAGGTA deleted; deleting any 8 consecutive bases within chr20:13,816,539-13,816,549 gives the same sequence; the c. name uses the placement nearest the transcript's 3' end. VCF-style (leftmost placement, unchanged base first): chr20-13816538-TGTACAGAG-T. GRCh37 (hg19) VCF-style: chr20-13797184-TGTACAGAG-T.
Other names: c.297_301+3del (NM_001352407.2, NM_001352406.2); c.774_778+3del (NM_001039375.3); c.387_391+3del (NM_001352403.2).
Identifiers: ClinVar variation 4816126 (VCV004816126.1).